The following is an entry in ClinVar:

NM_000138.5(FBN1):c.3238del (p.Leu1080fs)

Gene: FBN1 (fibrillin 1; minus strand). Cytogenetic location: 15q21.1.
Variant type: Deletion.
Coding change: c.3238del on transcript NM_000138.5 (MANE Select); coding-DNA position 3238, one base deleted (C; older notation c.3238delC).
Protein change: p.Leu1080fs; shifts the reading frame from leucine 1080.
Molecular consequence: frameshift variant.
Genome position (GRCh38, 1-based): chr15:48,488,212, G deleted on the plus strand (C on the coding strand, the reverse complement: FBN1 is on the minus strand); the first of 2 consecutive G bases (chr15:48,488,212-48,488,213); deleting either gives the same sequence. VCF-style (leftmost placement, unchanged base first): chr15-48488211-AG-A. GRCh37 (hg19) VCF-style: chr15-48780408-AG-A.
Other names: c.3238delC (NM_000138.4); short protein forms L1080fs.
Identifiers: ClinVar variation 265445 (VCV000265445.2), dbSNP rs886039549, ClinGen allele CA10588586.
Genomic context (GRCh38, chr15:48,488,211, plus strand): 5'-CCTTCGTCACACTTGCATTCAAAGTCCCCAGGGGTGTTCACACACTGGCCTCTGCCACAG[AG>A]GTCAGGAGATATGCGGCATTCGTCAATGTCTGCACAAAAACAGCAAGTGGCAGCAAATGA-3'

ClinVar aggregate classification (germline): Pathogenic (1 of 4 stars; one submission).

Submission:

GeneDx
Classification: Pathogenic. Last evaluated: 2016-12-28. Review status: criteria provided, single submitter. Criteria: GeneDx Variant Classification (06012015). Collection method: clinical testing. Allele origin: germline. Affected: yes.
Comment: The c.3238delC pathogenic variant in the FBN1 gene has been reported previously in association with Marfan syndrome (Stheneur et al., 2009). This variant causes a frameshift starting with codon Leucine 1080, changes this amino acid to a Serine residue, and creates a premature Stop codon at position 8 of the new reading frame, denoted p.Leu1080SerfsX8. This variant is predicted to cause loss of normal protein function either through protein truncation or nonsense-mediated mRNA decay. The c.3238delC variant was not observed in approximately 6500 individuals of European and African American ancestry in the NHLBI Exome Sequencing Project, indicating it is not a common benign variant in these populations. We interpret c.3238delC as a pathogenic variant.